The following is an entry in ClinVar:

NM_000059.4(BRCA2):c.1955C>T (p.Ser652Phe)

Gene: BRCA2 (BRCA2 DNA repair associated; plus strand). Cytogenetic location: 13q13.1.
Variant type: single nucleotide variant.
Coding change: c.1955C>T on transcript NM_000059.4 (MANE Select); coding-DNA position 1955, C replaced by T.
Protein change: p.Ser652Phe; replaces serine 652 with phenylalanine.
Molecular consequence: missense variant.
Genome position (GRCh38, 1-based): chr13:32,336,310, C>T. VCF-style: chr13-32336310-C-T. GRCh37 (hg19) VCF-style: chr13-32910447-C-T.
Other names: short protein forms S652F.
Identifiers: ClinVar variation 652527 (VCV000652527.10), dbSNP rs1593895864, ClinGen allele CA387768456.

ClinVar aggregate classification (germline): Conflicting classifications of pathogenicity. Review status: criteria provided, conflicting classifications (1 of 4 stars). 2 submissions from 2 submitters: Uncertain significance (1); Likely benign (1). Last evaluated 2023-03-23.

Conditions:
Hereditary breast ovarian cancer syndrome. Also called: Breast and ovarian cancer; BRCA1- and BRCA2-Associated Hereditary Breast and Ovarian Cancer; Hereditary breast and ovarian cancer; Hereditary breast and/or ovarian cancer syndrome; Hereditary breast and ovarian cancer syndrome; Hereditary breast and ovarian cancer syndrome (HBOC). Identifiers: Orphanet 145, MedGen C0677776, MeSH D061325, MONDO:0003582. Disease mechanism: loss of function.
Hereditary cancer-predisposing syndrome. Also called: Neoplastic Syndromes, Hereditary; Tumor predisposition; Hereditary Cancer Syndrome; Hereditary neoplastic syndrome. Identifiers: Orphanet 140162, MedGen C0027672, MeSH D009386, MONDO:0015356.

Submissions (2):

University of Washington Department of Laboratory Medicine, University of Washington
Classification: Likely benign for Hereditary cancer-predisposing syndrome. Last evaluated: 2023-03-23. Review status: criteria provided, single submitter. Criteria: Dines et al. (Genet Med. 2020). Collection method: curation. Allele origin: germline.
Comment: Missense variant in a coldspot region where missense variants are very unlikely to be pathogenic (PMID:31911673).

BRCA2 exon 11 coldspot. Reclassification based on statistical prior probability.

Labcorp Genetics (formerly Invitae), Labcorp
Classification: Uncertain significance for Hereditary breast ovarian cancer syndrome. Last evaluated: 2018-10-13. Review status: criteria provided, single submitter. Criteria: Invitae Variant Classification Sherloc (09022015). Collection method: clinical testing. Allele origin: germline.
Comment: In summary, the available evidence is currently insufficient to determine the role of this variant in disease. Therefore, it has been classified as a Variant of Uncertain Significance. Algorithms developed to predict the effect of missense changes on protein structure and function are either unavailable or do not agree on the potential impact of this missense change (SIFT: "Tolerated"; PolyPhen-2: "Possibly Damaging"; Align-GVGD: "Class C0"). This variant has not been reported in the literature in individuals with BRCA2-related disease. This variant is not present in population databases (ExAC no frequency). This sequence change replaces serine with phenylalanine at codon 652 of the BRCA2 protein (p.Ser652Phe). The serine residue is weakly conserved and there is a large physicochemical difference between serine and phenylalanine.